The following is an entry in ClinVar:

ClinVar aggregate classification (germline): Pathogenic (1 of 4 stars; one submission).

Conditions:
LAMA2-related muscular dystrophy (LAMA2-RD). Also called: Laminin alpha 2-related dystrophy. Identifiers: MedGen C5679788, MONDO:0100228.

Submission:

Labcorp Genetics (formerly Invitae), Labcorp
Classification: Pathogenic for LAMA2-related muscular dystrophy. Last evaluated: 2024-11-16. Review status: criteria provided, single submitter. Criteria: Invitae Variant Classification Sherloc (09022015). Collection method: clinical testing. Allele origin: germline.
Comment: This sequence change affects an acceptor splice site in intron 58 of the LAMA2 gene. It is expected to disrupt RNA splicing. Variants that disrupt the donor or acceptor splice site typically lead to a loss of protein function (PMID: 16199547), and loss-of-function variants in LAMA2 are known to be pathogenic (PMID: 18700894, 32904964). This variant is not present in population databases (gnomAD no frequency). Disruption of this splice site has been observed in individual(s) with congenital muscular dystrophy (PMID: 24225367). Algorithms developed to predict the effect of sequence changes on RNA splicing suggest that this variant may disrupt the consensus splice site. For these reasons, this variant has been classified as Pathogenic.

Literature cited by the submitters: PubMed 16199547; PubMed 18700894; PubMed 32904964; PubMed 24225367.

NM_000426.4(LAMA2):c.8245-2A>C

Genes: LAMA2 (laminin subunit alpha 2; plus strand), LOC126859784 (CDK7 strongly-dependent group 2 enhancer GRCh37_chr6:129822854-129824053; plus strand). Cytogenetic location: 6q22.33.
Variant type: single nucleotide variant.
Coding change: c.8245-2A>C on transcript NM_000426.4 (MANE Select); the canonical splice acceptor site of the intron before coding-DNA position 8245, A replaced by C.
Molecular consequence: splice acceptor variant.
Genome position (GRCh38, 1-based): chr6:129,502,657, A>C. VCF-style: chr6-129502657-A-C. GRCh37 (hg19) VCF-style: chr6-129823802-A-C.
Other names: c.8233-2A>C (NM_001079823.2).
Identifiers: ClinVar variation 3725407 (VCV003725407.2).